The following is an entry in ClinVar:

ClinVar aggregate classification (germline): Uncertain significance. Review status: criteria provided, multiple submitters, no conflicts (2 of 4 stars). 2 submissions from 2 submitters: Uncertain significance (2). Last evaluated 2022-04-07.

gnomAD v4.1: 2 of 1,614,066 alleles (0.00012%); highest among the groups gnomAD compares: Middle Eastern, 0.016%; no homozygotes.

Submissions (2):

Labcorp Genetics (formerly Invitae), Labcorp
Classification: Uncertain significance. Last evaluated: 2022-04-07. Review status: criteria provided, single submitter. Criteria: Invitae Variant Classification Sherloc (09022015). Collection method: clinical testing. Allele origin: germline.
Comment: This variant has not been reported in the literature in individuals affected with PCK2-related conditions. In summary, the available evidence is currently insufficient to determine the role of this variant in disease. Therefore, it has been classified as a Variant of Uncertain Significance. Algorithms developed to predict the effect of missense changes on protein structure and function are either unavailable or do not agree on the potential impact of this missense change (SIFT: "Tolerated"; PolyPhen-2: "Probably Damaging"; Align-GVGD: "Class C0"). This variant is not present in population databases (gnomAD no frequency). This sequence change replaces isoleucine, which is neutral and non-polar, with threonine, which is neutral and polar, at codon 330 of the PCK2 protein (p.Ile330Thr).

Breakthrough Genomics
Classification: Uncertain significance. Review status: criteria provided, single submitter. Criteria: ACMG Guidelines, 2015. Collection method: not provided. Allele origin: germline. Inheritance: Autosomal recessive inheritance. Affected: yes.

NM_004563.4(PCK2):c.989T>C (p.Ile330Thr)

Genes: NRL (neural retina leucine zipper; minus strand), PCK2 (phosphoenolpyruvate carboxykinase 2, mitochondrial; plus strand). Cytogenetic location: 14q11.2.
Variant type: single nucleotide variant.
Coding change: c.989T>C on transcript NM_004563.4 (MANE Select); coding-DNA position 989, T replaced by C.
Protein change: p.Ile330Thr; replaces isoleucine 330 with threonine.
Molecular consequence: missense variant. On other transcripts: intron variant (3).
Genome position (GRCh38, 1-based): chr14:24,099,694, T>C. VCF-style: chr14-24099694-T-C. GRCh37 (hg19) VCF-style: chr14-24568903-T-C.
Other names: c.989T>C, p.Ile330Thr (NM_001018073.3); c.587T>C, p.Ile196Thr (NM_001291556.2, NM_001308054.2); c.-28+15028A>G (NM_001354768.3, NM_001354770.2); c.-253-14949A>G (NM_006177.5); short protein forms I196T, I330T.
Identifiers: ClinVar variation 2041890 (VCV002041890.5), dbSNP rs772944966, ClinGen allele CA389200324.
Genomic context (GRCh38, chr14:24,099,694, plus strand): 5'-ACCTGGCTATGATGCGGCCTGCACTGCCAGGCTGGAAAGTGGAGTGTGTGGGGGATGATA[T>C]TGCTTGGATGAGGTTTGACAGTGAAGGTGAGGGACTCTCAGATCATACTCTTGGTTCTGG-3'
Protein context (NP_004554.3, residues 320-340): GWKVECVGDD[Ile330Thr]AWMRFDSEGR